The following is an entry in ClinVar:

ClinVar aggregate classification (germline): Uncertain significance (1 of 4 stars; one submission).

Conditions:
Inborn genetic diseases. Identifiers: MedGen C0950123, MeSH D030342.

Submission:

Ambry Genetics
Classification: Uncertain significance for Inborn genetic diseases. Last evaluated: 2024-12-21. Review status: criteria provided, single submitter. Criteria: Ambry Variant Classification Scheme 2023. Collection method: clinical testing. Allele origin: germline.
Comment: The p.K166N variant (also known as c.498A>T), located in coding exon 6 of the DDX41 gene, results from an A to T substitution at nucleotide position 498. The lysine at codon 166 is replaced by asparagine, an amino acid with similar properties. This amino acid position is conserved. In addition, this alteration is predicted to be tolerated by in silico analysis. Based on the available evidence, the clinical significance of this variant remains unclear.

NM_016222.4(DDX41):c.498A>T (p.Lys166Asn)

Gene: DDX41 (DEAD-box helicase 41; minus strand). Cytogenetic location: 5q35.3.
Variant type: single nucleotide variant.
Coding change: c.498A>T on transcript NM_016222.4 (MANE Select); coding-DNA position 498, A replaced by T.
Protein change: p.Lys166Asn; replaces lysine 166 with asparagine.
Molecular consequence: missense variant.
Genome position (GRCh38, 1-based): chr5:177,515,758, T>A on the plus strand (A>T on the coding strand, the complement: DDX41 is on the minus strand). VCF-style: chr5-177515758-T-A. GRCh37 (hg19) VCF-style: chr5-176942759-T-A.
Other names: c.120A>T, p.Lys40Asn (NM_001321732.2, NM_001321830.2); short protein forms K40N, K166N.
Identifiers: ClinVar variation 3838954 (VCV003838954.1).